The following is an entry in ClinVar:

ClinVar aggregate classification (germline): Uncertain significance. Review status: criteria provided, multiple submitters, no conflicts (2 of 4 stars). 2 submissions from 2 submitters: Uncertain significance (2). Last evaluated 2025-12-09.

Allele frequency attached by ClinVar (database versions not stated): TOPMed below 0.00001; gnomAD 0.00001; gnomAD exomes 0.00001.
gnomAD v4.1: 10 of 1,613,526 alleles (0.00062%); highest among the groups gnomAD compares: Middle Eastern, 0.066%; no homozygotes.

Submissions (2):

Women's Health and Genetics/Laboratory Corporation of America, LabCorp
Classification: Uncertain significance. Last evaluated: 2025-12-09. Review status: criteria provided, single submitter. Criteria: LabCorp Variant Classification Summary - May 2015. Collection method: clinical testing. Allele origin: germline.
Comment: Variant summary: GBA1 c.95A>G (p.Gln32Arg), also reported as p.Q-7R, results in a conservative amino acid change in the encoded protein sequence. Algorithms developed to predict the effect of missense changes on protein structure and function are either unavailable or do not agree on the potential impact of this missense change. The variant allele was found at a frequency of 6.2e-06 in 1613526 control chromosomes. This frequency is not significantly higher than estimated for disease-causing variants in GBA1, allowing no conclusion about variant significance. c.95A>G has been observed in the presumed heterozygous state in a cohort of individual(s) affected with Parkinson Disease (example, den Heijer_2020), without strong evidence for causality. These report(s) do not provide unequivocal conclusions about association of the variant with GBA-related conditions. To our knowledge, no experimental evidence demonstrating an impact on protein function has been reported. The following publications have been ascertained in the context of this evaluation (PMID: 37312046, 32618053, 39927608). ClinVar contains an entry for this variant (Variation ID: 3098820). Based on the evidence outlined above, the variant was classified as uncertain significance.

Ambry Genetics
Classification: Uncertain significance. Last evaluated: 2022-05-31. Review status: criteria provided, single submitter. Criteria: Ambry Variant Classification Scheme 2023. Collection method: clinical testing. Allele origin: germline.

Literature cited by the submitters: PubMed 32618053 (cited by Women's Health and Genetics/Laboratory Corporation of America, LabCorp); PubMed 37312046 (cited by Women's Health and Genetics/Laboratory Corporation of America, LabCorp); PubMed 39927608 (cited by Women's Health and Genetics/Laboratory Corporation of America, LabCorp).

NM_000157.4(GBA1):c.95A>G (p.Gln32Arg)

Gene: GBA1 (glucosylceramidase beta 1; minus strand). Cytogenetic location: 1q22.
Variant type: single nucleotide variant.
Coding change: c.95A>G on transcript NM_000157.4 (MANE Select); coding-DNA position 95, A replaced by G.
Protein change: p.Gln32Arg; replaces glutamine 32 with arginine.
Molecular consequence: missense variant. On other transcripts: intron variant (1).
Genome position (GRCh38, 1-based): chr1:155,240,650, T>C on the plus strand (A>G on the coding strand, the complement: GBA1 is on the minus strand). VCF-style: chr1-155240650-T-C. GRCh37 (hg19) VCF-style: chr1-155210441-T-C.
Other names: c.95A>G, p.Gln32Arg (NM_001005741.3, NM_001005742.3, NM_001171812.2); c.-146-573A>G (NM_001171811.2); short protein forms Q32R.
Identifiers: ClinVar variation 3098820 (VCV003098820.2), dbSNP rs1209553531, ClinGen allele CA342729800.